The following is an entry in ClinVar:

ClinVar aggregate classification (germline): Pathogenic (1 of 4 stars; one submission).

Conditions:
Duchenne muscular dystrophy (DMD). Also called: MUSCULAR DYSTROPHY, PSEUDOHYPERTROPHIC PROGRESSIVE, DUCHENNE TYPE; Duchenne Muscular Dystrophy (DMD). Identifiers: Orphanet 98896, MedGen C0013264, MONDO:0010679, OMIM 310200.

Submission:

Labcorp Genetics (formerly Invitae), Labcorp
Classification: Pathogenic for Duchenne muscular dystrophy. Last evaluated: 2018-05-03. Review status: criteria provided, single submitter. Criteria: Invitae Variant Classification Sherloc (09022015). Collection method: clinical testing. Allele origin: germline.
Comment: This variant is an out-of-frame deletion of the genomic region encompassing exons 56-62 of the DMD gene. This is expected to create a premature translational stop signal and result in an absent or disrupted protein product. This variant has been observed in an individual affected with Duchenne muscular dystrophy (PMID: 19602481). Loss-of-function variants in DMD are known to be pathogenic (PMID: 16770791, 25007885). For these reasons, this variant has been classified as Pathogenic.

Literature cited by the submitters: PubMed 19602481.

NC_000023.11:g.(?_31323578)_(31508257_?)del

Gene: DMD (dystrophin; minus strand). Cytogenetic location: Xp21.2-21.1.
Variant type: Deletion.
Identifiers: ClinVar variation 583919 (VCV000583919.1).